The following is an entry in ClinVar:

NM_024642.5(GALNT12):c.134C>G (p.Ala45Gly)

Gene: GALNT12 (polypeptide N-acetylgalactosaminyltransferase 12; plus strand). Cytogenetic location: 9q22.33.
Variant type: single nucleotide variant.
Coding change: c.134C>G on transcript NM_024642.5 (MANE Select); coding-DNA position 134, C replaced by G.
Protein change: p.Ala45Gly; replaces alanine 45 with glycine.
Molecular consequence: missense variant.
Genome position (GRCh38, 1-based): chr9:98,807,832, C>G. VCF-style: chr9-98807832-C-G. GRCh37 (hg19) VCF-style: chr9-101570114-C-G.
Other names: short protein forms A45G.
Identifiers: ClinVar variation 818926 (VCV000818926.5), dbSNP rs1588436153, ClinGen allele CA374222366.

ClinVar aggregate classification (germline): Uncertain significance (1 of 4 stars; one submission).

Allele frequency attached by ClinVar (database versions not stated): gnomAD below 0.00001 and 0.00001.

Submission:

Ambry Genetics
Classification: Uncertain significance. Last evaluated: 2023-07-16. Review status: criteria provided, single submitter. Criteria: Ambry Variant Classification Scheme 2023. Collection method: clinical testing. Allele origin: germline.
Comment: The p.A45G variant (also known as c.134C>G), located in coding exon 1 of the GALNT12 gene, results from a C to G substitution at nucleotide position 134. The alanine at codon 45 is replaced by glycine, an amino acid with similar properties. This amino acid position is not well conserved on limited sequence alignment. In addition, this alteration is predicted to be tolerated by in silico analysis. Since supporting evidence is limited at this time, the clinical significance of this alteration remains unclear.